The following is an entry in ClinVar:

NM_000257.4(MYH7):c.5505G>A (p.Glu1835=)

Gene: MYH7 (myosin heavy chain 7; minus strand). Cytogenetic location: 14q11.2.
Variant type: single nucleotide variant.
Coding change: c.5505G>A on transcript NM_000257.4 (MANE Select); coding-DNA position 5505, G replaced by A.
Protein change: p.Glu1835=; no amino-acid change (glutamic acid 1835 retained).
Molecular consequence: synonymous variant.
Genome position (GRCh38, 1-based): chr14:23,415,049, C>T on the plus strand (G>A on the coding strand, the complement: MYH7 is on the minus strand). VCF-style: chr14-23415049-C-T. GRCh37 (hg19) VCF-style: chr14-23884258-C-T.
Other names: c.5505G>A (NM_000257.3).
Identifiers: ClinVar variation 1082145 (VCV001082145.13), dbSNP rs750622554, ClinGen allele CA047052.

ClinVar aggregate classification (germline): Likely benign. Review status: criteria provided, multiple submitters, no conflicts (2 of 4 stars). 6 submissions from 6 submitters: Likely benign (6). Last evaluated 2026-03-27.

Conditions:
Hypertrophic cardiomyopathy. Also called: HYPERTROPHIC MYOCARDIOPATHY. Identifiers: Orphanet 217569, MedGen C0007194, MeSH D002312, MONDO:0005045, HP:0001639.
Cardiovascular phenotype. Identifiers: MedGen CN230736.
Cardiomyopathy (CMYO). Also called: Cardiomyopathies. Identifiers: Orphanet 167848, MedGen C0878544, MONDO:0004994, HP:0001638. Inheritance: Various modes of inheritance.

Allele frequency attached by ClinVar (database versions not stated): gnomAD exomes 0.00001 and 0.00002; TOPMed below 0.00001; ExAC 0.00001; gnomAD 0.00001.
gnomAD v4.1: 7 of 1,612,518 alleles (0.00043%); highest among the groups gnomAD compares: Non-Finnish European, 0.00059%; no homozygotes.

Submissions (6):

Molecular Diagnostic Laboratory for Inherited Cardiovascular Disease, Montreal Heart Institute
Classification: Likely benign. Last evaluated: 2026-03-27. Review status: criteria provided, single submitter. Criteria: ACMG Guidelines, 2015. Collection method: clinical testing. Allele origin: germline. Affected: no.

Labcorp Genetics (formerly Invitae), Labcorp
Classification: Likely benign for Hypertrophic cardiomyopathy. Last evaluated: 2024-11-18. Review status: criteria provided, single submitter. Criteria: Invitae Variant Classification Sherloc (09022015). Collection method: clinical testing. Allele origin: germline.

Blueprint Genetics
Classification: Likely benign. Last evaluated: 2024-07-03. Review status: criteria provided, single submitter. Criteria: ACMG Guidelines, 2015. Collection method: clinical testing. Allele origin: germline.

Ambry Genetics
Classification: Likely benign for Cardiovascular phenotype. Last evaluated: 2024-02-16. Review status: criteria provided, single submitter. Criteria: Ambry Variant Classification Scheme 2023. Collection method: clinical testing. Allele origin: germline.

Women's Health and Genetics/Laboratory Corporation of America, LabCorp
Classification: Likely benign. Last evaluated: 2023-10-20. Review status: criteria provided, single submitter. Criteria: LabCorp Variant Classification Summary - May 2015. Collection method: clinical testing. Allele origin: germline.

All of Us Research Program, National Institutes of Health
Classification: Likely benign for Cardiomyopathy. Last evaluated: 2023-08-15. Review status: criteria provided, single submitter. Criteria: ACMG Guidelines, 2015. Collection method: clinical testing. Allele origin: germline. Inheritance: Autosomal dominant inheritance. Observed: 3 variant alleles, 3 heterozygotes.
Comment: This study involves interpretation of variants in research participants for the purpose of population health screening. Participant phenotype was not available at the time of variant classification. Additional details can be found in publication PMID: 35346344, PMCID: PMC8962531